The following continues an entry in ClinVar:

NM_172107.4(KCNQ2):c.601C>T (p.Arg201Cys)

Gene: KCNQ2. ClinVar aggregate classification (germline): Pathogenic. Pathogenic (11).

Submissions 12 to 21 of 21:

Center of Excellence for Medical Genomics, Chulalongkorn University
Classification: Pathogenic for Developmental and epileptic encephalopathy, 7. Last evaluated: 2022-08-19. Review status: no assertion criteria provided. Collection method: research. Allele origin: de novo. Affected: yes. Not counted in ClinVar's aggregate classification.

Center of Excellence for Medical Genomics, Chulalongkorn University
Classification: Pathogenic for Seizures, benign familial neonatal, 1. Last evaluated: 2002-09-08. Review status: no assertion criteria provided. Collection method: research. Allele origin: de novo. Affected: yes. Not counted in ClinVar's aggregate classification.

Channelopathy-Associated Epilepsy Research Center
No classification provided (evidence only). Condition: Complex neurodevelopmental disorder. Review status: no classification provided. Collection method: literature only. Allele origin: not applicable. Functional consequence: Increase in peak current, Severe slowing of activation, Severe hyperpolarizing shift of voltage dependence of activation. Not counted in ClinVar's aggregate classification.
ClinVar note: "not provided" was previously submitted as the classification for the variant. However, the classification appeared to be based only on an observation of functional data so it was converted to no classification on 2025-07-30.

Channelopathy-Associated Epilepsy Research Center
No classification provided (evidence only). Review status: no classification provided. Collection method: in vitro. Allele origin: not applicable. Functional consequence: Normal peak current. Not counted in ClinVar's aggregate classification.

Channelopathy-Associated Epilepsy Research Center
No classification provided (evidence only). Review status: no classification provided. Collection method: in vitro. Allele origin: not applicable. Functional consequence: Normal peak current. Not counted in ClinVar's aggregate classification.

Channelopathy-Associated Epilepsy Research Center
No classification provided (evidence only). Review status: no classification provided. Collection method: in vitro. Allele origin: not applicable. Functional consequence: Hyperpolarizing shift of voltage dependence of activation. Not counted in ClinVar's aggregate classification.

Channelopathy-Associated Epilepsy Research Center
No classification provided (evidence only). Review status: no classification provided. Collection method: in vitro. Allele origin: not applicable. Functional consequence: Increase in slope of activation. Not counted in ClinVar's aggregate classification.

Channelopathy-Associated Epilepsy Research Center
No classification provided (evidence only). Review status: no classification provided. Collection method: in vitro. Allele origin: not applicable. Functional consequence: Slowing of activation. Not counted in ClinVar's aggregate classification.

GeneReviews
No classification provided. Condition: Developmental and epileptic encephalopathy, 7. Review status: no classification provided. Collection method: literature only. Allele origin: germline. Affected: yes. Not counted in ClinVar's aggregate classification.
Comment: EE (epileptic encephalopathy)

Functional effect: CHO cells: expressed with wild-type KCNQ2 or with both wild-type KCNQ2 and KCNQ3 to mimic the heterozygous state, reduces the depolarization required for channel activation (gain of function).

Baylor Genetics
Classification: Uncertain significance for Seizures, benign familial neonatal, 1. Last evaluated: 2017-09-01. Review status: flagged submission. Criteria: ACMG Guidelines, 2015. Collection method: clinical testing. Allele origin: de novo. Inheritance: Autosomal dominant inheritance. Affected: yes. Not counted in ClinVar's aggregate classification.
ClinVar note: Reason: Older and outlier claim with insufficient supporting evidence

Literature cited by the submitters: PubMed 26993267 (cited by Variantyx, Inc. and SIB Swiss Institute of Bioinformatics); PubMed 25740509 (cited by 5 submitters); PubMed 28133863 (cited by 3 submitters); PubMed 28687180 (cited by 3 submitters); PubMed 24107868 (cited by 4 submitters); PubMed 27535030 (cited by Labcorp Genetics (formerly Invitae), Labcorp and 3billion); PubMed 23708187 (cited by Labcorp Genetics (formerly Invitae), Labcorp and 3billion); PubMed 25880994 (cited by Labcorp Genetics (formerly Invitae), Labcorp); PubMed 28139826 (cited by Labcorp Genetics (formerly Invitae), Labcorp); PubMed 29190809 (cited by Labcorp Genetics (formerly Invitae), Labcorp); PubMed 35104249 (cited by Channelopathy-Associated Epilepsy Research Center); NCBI Bookshelf NBK32534 (cited by GeneReviews); PubMed 25326635 (cited by Baylor Genetics).